The following is an entry in ClinVar:

ClinVar aggregate classification (germline): Uncertain significance. Review status: criteria provided, multiple submitters, no conflicts (2 of 4 stars). 2 submissions from 2 submitters: Uncertain significance (2). Last evaluated 2025-09-09.

Conditions:
Multiple endocrine neoplasia, type 2 (MEN2). Identifiers: Orphanet 653, MedGen C4048306, MONDO:0019003. Disease mechanism: gain of function.

Allele frequency attached by ClinVar (database versions not stated): gnomAD exomes below 0.00001; ExAC 0.00001.
gnomAD v4.1: 1 of 1,613,802 alleles (0.000062%); highest among the groups gnomAD compares: Non-Finnish European, 0.000085%; no homozygotes.

Submissions (2):

Quest Diagnostics Nichols Institute San Juan Capistrano
Classification: Uncertain significance. Last evaluated: 2025-09-09. Review status: criteria provided, single submitter. Criteria: Quest Diagnostics criteria. Collection method: clinical testing. Allele origin: unknown.

Labcorp Genetics (formerly Invitae), Labcorp
Classification: Uncertain significance for Multiple endocrine neoplasia, type 2. Last evaluated: 2023-07-18. Review status: criteria provided, single submitter. Criteria: Invitae Variant Classification Sherloc (09022015). Collection method: clinical testing. Allele origin: germline.
Comment: This sequence change replaces serine, which is neutral and polar, with cysteine, which is neutral and slightly polar, at codon 409 of the RET protein (p.Ser409Cys). This variant is present in population databases (rs771636042, gnomAD 0.0009%). This variant has not been reported in the literature in individuals affected with RET-related conditions. An algorithm developed to predict the effect of missense changes on protein structure and function (PolyPhen-2) suggests that this variant is likely to be tolerated. In summary, the available evidence is currently insufficient to determine the role of this variant in disease. Therefore, it has been classified as a Variant of Uncertain Significance.

NM_020975.6(RET):c.1226C>G (p.Ser409Cys)

Gene: RET (ret proto-oncogene; plus strand). Cytogenetic location: 10q11.21.
Variant type: single nucleotide variant.
Coding change: c.1226C>G on transcript NM_020975.6 (MANE Select); coding-DNA position 1226, C replaced by G.
Protein change: p.Ser409Cys; replaces serine 409 with cysteine.
Molecular consequence: missense variant. On other transcripts: intron variant (18).
Genome position (GRCh38, 1-based): chr10:43,109,193, C>G. VCF-style: chr10-43109193-C-G. GRCh37 (hg19) VCF-style: chr10-43604641-C-G.
Other names: c.1226C>G, p.Ser409Cys (NM_000323.2, NM_001406743.1, NM_001406744.1 and 6 more transcripts); c.464C>G, p.Ser155Cys (NM_001355216.2); c.1097C>G, p.Ser366Cys (NM_001406761.1, NM_001406762.1, NM_001406764.1 and 1 more transcripts); c.938C>G, p.Ser313Cys (NM_001406766.1, NM_001406767.1, NM_001406770.1); c.788C>G, p.Ser263Cys (NM_001406771.1, NM_001406773.1); c.868-2014C>G (NM_001406772.1, NM_001406769.1); c.626-2906C>G (NM_001406782.1, NM_001406780.1, NM_001406779.1 and 3 more transcripts); c.739-2014C>G (NM_001406774.1); and 5 more; short protein forms S263C, S313C, S366C, S409C, S155C, S167C, S79C.
Identifiers: ClinVar variation 2826603 (VCV002826603.4), dbSNP rs771636042, ClinGen allele CA032218.